The following is an entry in ClinVar:

ClinVar aggregate classification (germline): Uncertain significance (1 of 4 stars; one submission).

Allele frequency attached by ClinVar (database versions not stated): TOPMed below 0.00001; gnomAD exomes 0.00001.

Submission:

Ambry Genetics
Classification: Uncertain significance. Last evaluated: 2023-10-12. Review status: criteria provided, single submitter. Criteria: Ambry Variant Classification Scheme 2023. Collection method: clinical testing. Allele origin: germline.
Comment: The p.K834R variant (also known as c.2501A>G), located in coding exon 1 of the MLH3 gene, results from an A to G substitution at nucleotide position 2501. The lysine at codon 834 is replaced by arginine, an amino acid with highly similar properties. This amino acid position is not well conserved in available vertebrate species. In addition, this alteration is predicted to be tolerated by in silico analysis. Since supporting evidence is limited at this time, the clinical significance of this alteration remains unclear.

NM_001040108.2(MLH3):c.2501A>G (p.Lys834Arg)

Gene: MLH3 (mutL homolog 3; minus strand). Cytogenetic location: 14q24.3.
Variant type: single nucleotide variant.
Coding change: c.2501A>G on transcript NM_001040108.2 (MANE Select); coding-DNA position 2501, A replaced by G.
Protein change: p.Lys834Arg; replaces lysine 834 with arginine.
Molecular consequence: missense variant.
Genome position (GRCh38, 1-based): chr14:75,047,155, T>C on the plus strand (A>G on the coding strand, the complement: MLH3 is on the minus strand). VCF-style: chr14-75047155-T-C. GRCh37 (hg19) VCF-style: chr14-75513858-T-C.
Other names: c.2501A>G, p.Lys834Arg (NM_014381.3); short protein forms K834R.
Identifiers: ClinVar variation 3232486 (VCV003232486.1), dbSNP rs1277895414, ClinGen allele CA390440152.